The following is an entry in ClinVar:

ClinVar aggregate classification (germline): Uncertain significance (1 of 4 stars; one submission).

Allele frequency attached by ClinVar (database versions not stated): gnomAD exomes below 0.00001.
gnomAD v4.1: 1 of 1,613,922 alleles (0.000062%); highest among the groups gnomAD compares: Non-Finnish European, 0.000085%; no homozygotes.

Submission:

Labcorp Genetics (formerly Invitae), Labcorp
Classification: Uncertain significance. Last evaluated: 2022-06-20. Review status: criteria provided, single submitter. Criteria: Invitae Variant Classification Sherloc (09022015). Collection method: clinical testing. Allele origin: germline.
Comment: This sequence change replaces glycine, which is neutral and non-polar, with arginine, which is basic and polar, at codon 747 of the HPS3 protein (p.Gly747Arg). This variant is not present in population databases (gnomAD no frequency). This variant has not been reported in the literature in individuals affected with HPS3-related conditions. Algorithms developed to predict the effect of missense changes on protein structure and function are either unavailable or do not agree on the potential impact of this missense change (SIFT: "Tolerated"; PolyPhen-2: "Probably Damaging"; Align-GVGD: "Class C0"). In summary, the available evidence is currently insufficient to determine the role of this variant in disease. Therefore, it has been classified as a Variant of Uncertain Significance.

NM_032383.5(HPS3):c.2239G>C (p.Gly747Arg)

Gene: HPS3 (HPS3 biogenesis of lysosomal organelles complex 2 subunit 1; plus strand). Cytogenetic location: 3q24.
Variant type: single nucleotide variant.
Coding change: c.2239G>C on transcript NM_032383.5 (MANE Select); coding-DNA position 2239, G replaced by C.
Protein change: p.Gly747Arg; replaces glycine 747 with arginine.
Molecular consequence: missense variant.
Genome position (GRCh38, 1-based): chr3:149,162,280, G>C. VCF-style: chr3-149162280-G-C. GRCh37 (hg19) VCF-style: chr3-148880067-G-C.
Other names: c.1744G>C, p.Gly582Arg (NM_001308258.2); short protein forms G747R, G582R.
Identifiers: ClinVar variation 2008650 (VCV002008650.1), dbSNP rs2473120596, ClinGen allele CA354924107.
Genomic context (GRCh38, chr3:149,162,280, plus strand): 5'-ACCGAGCTTGCACTTCACTTGAAGGAAACTCAGCCTGGATTGCTTGTGGCTTCAGTTCTG[G>C]GCTTGCAGAAGAACAACAAAATTGGAATTGAAGAAGCAGATTCCTTTTTTAAGGTTTGTC-3'
Protein context (NP_115759.2, residues 737-757): QPGLLVASVL[Gly747Arg]LQKNNKIGIE